The following is an entry in ClinVar:

NM_002739.5(PRKCG):c.1529C>A (p.Thr510Lys)

Gene: PRKCG (protein kinase C gamma; plus strand). Cytogenetic location: 19q13.42.
Variant type: single nucleotide variant.
Coding change: c.1529C>A on transcript NM_002739.5 (MANE Select); coding-DNA position 1529, C replaced by A.
Protein change: p.Thr510Lys; replaces threonine 510 with lysine.
Molecular consequence: missense variant.
Genome position (GRCh38, 1-based): chr19:53,900,703, C>A. VCF-style: chr19-53900703-C-A. GRCh37 (hg19) VCF-style: chr19-54403957-C-A.
Other names: c.1529C>A, p.Thr510Lys (NM_001316329.2); c.1529C>A (NM_002739.4); short protein forms T510K.
Identifiers: ClinVar variation 994940 (VCV000994940.10), dbSNP rs749199519, ClinGen allele CA9640628.

ClinVar aggregate classification (germline): Conflicting classifications of pathogenicity. Review status: criteria provided, conflicting classifications (1 of 4 stars). 5 submissions from 5 submitters: Uncertain significance (4); Likely benign (1). Last evaluated 2025-05-28.

Conditions:
Inborn genetic diseases. Identifiers: MedGen C0950123, MeSH D030342.
Autosomal dominant cerebellar ataxia. Also called: Spinocerebellar Ataxia, Dominant. Identifiers: Orphanet 99, MedGen C4087347, MONDO:0020380.
PRKCG-related disorder. Also called: PRKCG-related condition.

Allele frequency attached by ClinVar (database versions not stated): TOPMed 0.00002; gnomAD exomes 0.00004; ExAC 0.00005.
gnomAD v4.1: 82 of 1,614,112 alleles (0.0051%); highest among the groups gnomAD compares: Non-Finnish European, 0.0063%; no homozygotes.

Submissions (5):

PreventionGenetics, part of Exact Sciences
Classification: Uncertain significance for PRKCG-related condition. Last evaluated: 2025-05-28. Review status: criteria provided, single submitter. Criteria: ACMG Guidelines, 2015. Collection method: clinical testing. Allele origin: germline.
Comment: The PRKCG c.1529C>A variant is predicted to result in the amino acid substitution p.Thr510Lys. To our knowledge, this variant has not been reported in the literature. This variant is reported in 0.0062% of alleles in individuals of European (Non-Finnish) descent in gnomAD. At this time, the clinical significance of this variant is uncertain due to the absence of conclusive functional and genetic evidence.

Ambry Genetics
Classification: Uncertain significance for Inborn genetic diseases. Last evaluated: 2025-04-21. Review status: criteria provided, single submitter. Criteria: Ambry Variant Classification Scheme 2023. Collection method: clinical testing. Allele origin: germline.

Blueprint Genetics
Classification: Uncertain significance. Last evaluated: 2024-10-08. Review status: criteria provided, single submitter. Criteria: ACMG Guidelines, 2015. Collection method: clinical testing. Allele origin: germline.

Molecular Genetics, Royal Melbourne Hospital
Classification: Uncertain significance for Autosomal dominant cerebellar ataxia. Last evaluated: 2024-01-05. Review status: criteria provided, single submitter. Criteria: ACMG Guidelines, 2015. Collection method: clinical testing. Allele origin: germline. Inheritance: Autosomal dominant inheritance. Affected: yes.
Comment: This sequence change in PRKCG is predicted to replace threonine with lysine at codon 510, p.(Thr510Lys). The threonine residue is weakly conserved (100 vertebrates, UCSC), and is located in the protein kinase domain. There is a moderate physicochemical difference between threonine and lysine. The highest population minor allele frequency in the population database gnomAD v2.1 is 0.0062% (8/129,176 alleles) in the European (non-Finnish) population. To our knowledge, this variant has not been previously reported in the relevant scientific literature. Computational evidence predicts a benign effect for the missense substitution (REVEL = 0.031). Based on the classification scheme RMH Modified ACMG/AMP Guidelines v1.6.1, this variant is classified as a VARIANT OF UNCERTAIN SIGNIFICANCE. Following criteria are met: BP4

Athena Diagnostics
Classification: Likely benign. Last evaluated: 2020-10-26. Review status: criteria provided, single submitter. Criteria: Athena Diagnostics criteria. Collection method: clinical testing. Allele origin: unknown.